The following is an entry in ClinVar:

NM_003482.4(KMT2D):c.15499A>T (p.Ser5167Cys)

Gene: KMT2D (lysine methyltransferase 2D; minus strand). Cytogenetic location: 12q13.12.
Variant type: single nucleotide variant.
Coding change: c.15499A>T on transcript NM_003482.4 (MANE Select); coding-DNA position 15499, A replaced by T.
Protein change: p.Ser5167Cys; replaces serine 5167 with cysteine.
Molecular consequence: missense variant.
Genome position (GRCh38, 1-based): chr12:49,026,467, T>A on the plus strand (A>T on the coding strand, the complement: KMT2D is on the minus strand). VCF-style: chr12-49026467-T-A. GRCh37 (hg19) VCF-style: chr12-49420250-T-A.
Other names: short protein forms S5167C.
Identifiers: ClinVar variation 3372375 (VCV003372375.1).
Genomic context (GRCh38, chr12:49,026,467, plus strand): 5'-CGTGGAACACAAGGCCCCCCACACGGAACATGTGCAGCCGTTCTCCCCGCTGAATGATGC[T>A]AGCGATTTGCTTCACCTCGTCCCGCTCAATGTAGACCCGCCGGAAGACAGCAAAAGAGCT-3'
Protein context (NP_003473.3, residues 5157-5177): IERDEVKQIA[Ser5167Cys]IIQRGERLHM

ClinVar aggregate classification (germline): Uncertain significance (1 of 4 stars; one submission).

gnomAD v4.1: 1 of 1,613,924 alleles (0.000062%); highest among the groups gnomAD compares: African/African-American, 0.0013%; no homozygotes.

Submission:

GeneDx
Classification: Uncertain significance. Last evaluated: 2024-04-10. Review status: criteria provided, single submitter. Criteria: GeneDx Variant Classification Process June 2021. Collection method: clinical testing. Allele origin: germline. Affected: yes.
Comment: Not observed at significant frequency in large population cohorts (gnomAD); In silico analysis supports that this missense variant has a deleterious effect on protein structure/function; Has not been previously published as pathogenic or benign to our knowledge